The following is an entry in ClinVar:

NM_001267550.2(TTN):c.17741-9A>G

Gene: TTN (titin; minus strand). Cytogenetic location: 2q31.2.
Variant type: single nucleotide variant.
Coding change: c.17741-9A>G on transcript NM_001267550.2 (MANE Select); 9 bases into the intron before coding-DNA position 17741, A replaced by G.
Molecular consequence: intron variant.
Genome position (GRCh38, 1-based): chr2:178,730,801, T>C on the plus strand (A>G on the coding strand, the complement: TTN is on the minus strand). VCF-style: chr2-178730801-T-C. GRCh37 (hg19) VCF-style: chr2-179595528-T-C.
Other names: p.?; c.17741-9A>G (NM_001267550.1); c.13282+7281A>G (NM_003319.4); c.13858+7281A>G (NM_133437.4); c.13657+7281A>G (NM_133432.3); c.14009-9A>G (NM_133378.4); c.16790-9A>G (NM_001256850.1).
Identifiers: ClinVar variation 46631 (VCV000046631.33), dbSNP rs72648944, ClinGen allele CA282705.

ClinVar aggregate classification (germline): Benign/Likely benign. Review status: criteria provided, multiple submitters, no conflicts (2 of 4 stars). 21 submissions from 14 submitters: Benign (16); Likely benign (2). 3 of the submissions do not count toward it. Last evaluated 2026-02-04.

Conditions:
Dilated cardiomyopathy 1G (CMD1G). Identifiers: Orphanet 154, MedGen C1858763, MONDO:0011400, OMIM 604145.
Autosomal recessive limb-girdle muscular dystrophy type 2J (LGMDR10). Also called: MUSCULAR DYSTROPHY, LIMB-GIRDLE, AUTOSOMAL RECESSIVE 10; Limb-girdle muscular dystrophy, type 2J. Identifiers: Orphanet 140922, MedGen C1837342, MONDO:0012127, OMIM 608807.
Cardiomyopathy (CMYO). Also called: Cardiomyopathies. Identifiers: Orphanet 167848, MedGen C0878544, MONDO:0004994, HP:0001638. Inheritance: Various modes of inheritance.
Early-onset myopathy with fatal cardiomyopathy (CMYO5). Also called: CONGENITAL MYOPATHY 5 WITH CARDIOMYOPATHY; Salih Myopathy. Identifiers: Orphanet 289377, MedGen C2673677, MONDO:0012714, OMIM 611705. Disease mechanism: loss of function.
Myopathy, myofibrillar, 9, with early respiratory failure (MFM9). Also called: Myopathy, distal, with early respiratory failure, autosomal dominant; Hereditary myopathy with early respiratory failure; MYOPATHY, PROXIMAL, WITH EARLY RESPIRATORY MUSCLE INVOLVEMENT; EDSTROM MYOPATHY. Identifiers: Orphanet 178464, Orphanet 34521, MedGen C1863599, MONDO:0011362, OMIM 603689.
Tibial muscular dystrophy (TMD). Also called: Udd Distal Myopathy – Tibial Muscular Dystrophy; Tibial muscular dystrophy, tardive; UDD MYOPATHY. Identifiers: Orphanet 609, MedGen C1838244, MONDO:0010870, OMIM 600334.

Allele frequency attached by ClinVar (database versions not stated): gnomAD exomes 0.00247 and 0.00072; ESP Exome Variant Server 0.00815; 1000 Genomes Project 30x 0.00890; gnomAD 0.00958 and 0.00890; 1000 Genomes Project 0.00899; ExAC 0.00289; TOPMed 0.01012.
gnomAD v4.1: 2,432 of 1,555,862 alleles (0.16%); highest among the groups gnomAD compares: African/African-American, 3%; 33 homozygotes.

Submissions (21):

Labcorp Genetics (formerly Invitae), Labcorp
Classification: Benign for Dilated cardiomyopathy 1G; Autosomal recessive limb-girdle muscular dystrophy type 2J. Last evaluated: 2026-02-04. Review status: criteria provided, single submitter. Criteria: Invitae Variant Classification Sherloc (09022015). Collection method: clinical testing. Allele origin: germline.

ARUP Laboratories, Molecular Genetics and Genomics, ARUP Laboratories
Classification: Benign. Last evaluated: 2025-07-01. Review status: criteria provided, single submitter. Criteria: ARUP Molecular Germline Variant Investigation Process 2024. Collection method: clinical testing. Allele origin: germline.

Molecular Diagnostic Laboratory for Inherited Cardiovascular Disease, Montreal Heart Institute
Classification: Benign. Last evaluated: 2025-04-09. Review status: criteria provided, single submitter. Criteria: ACMG Guidelines, 2015. Collection method: clinical testing. Allele origin: germline. Affected: no.

Athena Diagnostics
Classification: Benign. Last evaluated: 2025-02-21. Review status: criteria provided, single submitter. Criteria: Athena Diagnostics Criteria. Collection method: clinical testing. Allele origin: unknown.
Comment: The frequency of this variant in the general population is higher than would generally be expected for pathogenic variants in this gene.

Mayo Clinic Laboratories, Mayo Clinic
Classification: Benign. Last evaluated: 2021-10-27. Review status: criteria provided, single submitter. Criteria: ACMG Guidelines, 2015. Collection method: clinical testing. Allele origin: germline. Observed: 12 variant alleles.
Comment: BS1, BS2, BP4

Genome-Nilou Lab
Classification: Benign for Autosomal recessive limb-girdle muscular dystrophy type 2J. Last evaluated: 2021-09-10. Review status: criteria provided, single submitter. Criteria: ACMG Guidelines, 2015. Collection method: clinical testing. Allele origin: germline. Affected: no.

Genome-Nilou Lab
Classification: Benign for Myopathy, myofibrillar, 9, with early respiratory failure. Last evaluated: 2021-09-10. Review status: criteria provided, single submitter. Criteria: ACMG Guidelines, 2015. Collection method: clinical testing. Allele origin: germline. Affected: no.

Genome-Nilou Lab
Classification: Benign for Early-onset myopathy with fatal cardiomyopathy. Last evaluated: 2021-09-10. Review status: criteria provided, single submitter. Criteria: ACMG Guidelines, 2015. Collection method: clinical testing. Allele origin: germline. Affected: no.

Genome-Nilou Lab
Classification: Benign for Tibial muscular dystrophy. Last evaluated: 2021-09-10. Review status: criteria provided, single submitter. Criteria: ACMG Guidelines, 2015. Collection method: clinical testing. Allele origin: germline. Affected: no.

Women's Health and Genetics/Laboratory Corporation of America, LabCorp
Classification: Benign. Last evaluated: 2019-11-02. Review status: criteria provided, single submitter. Criteria: LabCorp Variant Classification Summary - May 2015. Collection method: clinical testing. Allele origin: germline.

Illumina Laboratory Services, Illumina
Classification: Benign for Tibial muscular dystrophy. Last evaluated: 2018-01-12. Review status: criteria provided, single submitter. Criteria: ICSL Variant Classification Criteria 13 December 2019. Collection method: clinical testing. Allele origin: germline.
Comment: This variant was observed in the ICSL laboratory as part of a predisposition screen in an ostensibly healthy population. It had not been previously curated by ICSL or reported in the Human Gene Mutation Database (HGMD: prior to June 1st, 2018), and was therefore a candidate for classification through an automated scoring system. Utilizing variant allele frequency, disease prevalence and penetrance estimates, and inheritance mode, an automated score was calculated to assess if this variant is too frequent to cause the disease. Based on the score and internal cut-off values, a variant classified as benign is not then subjected to further curation. The score for this variant resulted in a classification of benign for this disease.

Illumina Laboratory Services, Illumina
Classification: Likely benign for Autosomal recessive limb-girdle muscular dystrophy type 2J. Last evaluated: 2018-01-12. Review status: criteria provided, single submitter. Criteria: ICSL Variant Classification Criteria 13 December 2019. Collection method: clinical testing. Allele origin: germline.
Comment: This variant was observed in the ICSL laboratory as part of a predisposition screen in an ostensibly healthy population. It had not been previously curated by ICSL or reported in the Human Gene Mutation Database (HGMD: prior to June 1st, 2018), and was therefore a candidate for classification through an automated scoring system. Utilizing variant allele frequency, disease prevalence and penetrance estimates, and inheritance mode, an automated score was calculated to assess if this variant is too frequent to cause the disease. Based on the score and internal cut-off values, a variant classified as likely benign is not then subjected to further curation. The score for this variant resulted in a classification of likely benign for this disease.

Illumina Laboratory Services, Illumina
Classification: Benign for Early-onset myopathy with fatal cardiomyopathy. Last evaluated: 2018-01-12. Review status: criteria provided, single submitter. Criteria: ICSL Variant Classification Criteria 13 December 2019. Collection method: clinical testing. Allele origin: germline.
Comment: the same text as in the submission from Illumina Laboratory Services, Illumina above.

Illumina Laboratory Services, Illumina
Classification: Benign for Myopathy, myofibrillar, 9, with early respiratory failure. Last evaluated: 2018-01-12. Review status: criteria provided, single submitter. Criteria: ICSL Variant Classification Criteria 13 December 2019. Collection method: clinical testing. Allele origin: germline.
Comment: the same text as in the submission from Illumina Laboratory Services, Illumina above.

Illumina Laboratory Services, Illumina
Classification: Likely benign for Dilated cardiomyopathy 1G. Last evaluated: 2018-01-12. Review status: criteria provided, single submitter. Criteria: ICSL Variant Classification Criteria 13 December 2019. Collection method: clinical testing. Allele origin: germline.
Comment: the same text as in the submission from Illumina Laboratory Services, Illumina above.

CHEO Genetics Diagnostic Laboratory, Children's Hospital of Eastern Ontario
Classification: Benign for Cardiomyopathy. Last evaluated: 2016-11-09. Review status: criteria provided, single submitter. Criteria: ACMG Guidelines, 2015. Collection method: clinical testing. Allele origin: germline. Study: Canadian Open Genetics Repository.

GeneDx
Classification: Benign. Last evaluated: 2014-04-07. Review status: criteria provided, single submitter. Criteria: GeneDx Variant Classification (06012015). Collection method: clinical testing. Allele origin: germline. Affected: yes.
Comment: This variant is considered likely benign or benign based on one or more of the following criteria: it is a conservative change, it occurs at a poorly conserved position in the protein, it is predicted to be benign by multiple in silico algorithms, and/or has population frequency not consistent with disease.

Laboratory for Molecular Medicine, Mass General Brigham Personalized Medicine
Classification: Benign. Last evaluated: 2013-03-06. Review status: criteria provided, single submitter. Criteria: LMM Criteria. Collection method: clinical testing. Allele origin: germline. Observed: 18 variant alleles.
Comment: 14009-9A>G in intron 57 of TTN: This variant is not expected to have clinical si gnificance because it has been identified in 2.9% (96/3352) of African American chromosomes from a broad population by the NHLBI Exome Sequencing Project (dbSNP rs72648944).

Clinical Genetics DNA and cytogenetics Diagnostics Lab, Erasmus MC, Erasmus Medical Center
Classification: Benign. Review status: no assertion criteria provided. Collection method: clinical testing. Allele origin: germline. Affected: yes. Study: VKGL Data-share Consensus. Not counted in ClinVar's aggregate classification.

Clinical Genetics, Academic Medical Center
Classification: Benign. Review status: no assertion criteria provided. Collection method: clinical testing. Allele origin: germline. Affected: yes. Study: VKGL Data-share Consensus. Not counted in ClinVar's aggregate classification.

Laboratory of Diagnostic Genome Analysis, Leiden University Medical Center (LUMC)
Classification: Likely benign. Review status: no assertion criteria provided. Collection method: clinical testing. Allele origin: germline. Affected: yes. Study: VKGL Data-share Consensus. Not counted in ClinVar's aggregate classification.